The following is an entry in ClinVar:

NM_000455.5(STK11):c.840C>A (p.Pro280=)

Gene: STK11 (serine/threonine kinase 11; plus strand). Cytogenetic location: 19p13.3.
Variant type: single nucleotide variant.
Coding change: c.840C>A on transcript NM_000455.5 (MANE Select); coding-DNA position 840, C replaced by A.
Protein change: p.Pro280=; no amino-acid change (proline 280 retained).
Molecular consequence: synonymous variant.
Genome position (GRCh38, 1-based): chr19:1,221,318, C>A. VCF-style: chr19-1221318-C-A. GRCh37 (hg19) VCF-style: chr19-1221317-C-A.
Identifiers: ClinVar variation 629188 (VCV000629188.15), dbSNP rs1471868090, ClinGen allele CA504707294.

ClinVar aggregate classification (germline): Benign/Likely benign. Review status: criteria provided, multiple submitters, no conflicts (2 of 4 stars). 5 submissions from 5 submitters: Benign (1); Likely benign (4). Last evaluated 2025-10-24.

Conditions:
Hereditary cancer-predisposing syndrome. Also called: Tumor predisposition; Neoplastic Syndromes, Hereditary; Hereditary Cancer Syndrome; Hereditary neoplastic syndrome. Identifiers: Orphanet 140162, MedGen C0027672, MeSH D009386, MONDO:0015356.
Peutz-Jeghers syndrome (PJS). Also called: POLYPOSIS, HAMARTOMATOUS INTESTINAL; POLYPS-AND-SPOTS SYNDROME; Peutz-Jeghers polyposis; Periorificial lentiginosis syndrome. Identifiers: Orphanet 2869, MedGen C0031269, MeSH D010580, MONDO:0008280, OMIM 175200.

gnomAD v4.1: 1 of 1,609,882 alleles (0.000062%); highest among the groups gnomAD compares: Non-Finnish European, 0.000085%; no homozygotes.

Submissions (5):

Labcorp Genetics (formerly Invitae), Labcorp
Classification: Likely benign for Peutz-Jeghers syndrome. Last evaluated: 2025-10-24. Review status: criteria provided, single submitter. Criteria: Invitae Variant Classification Sherloc (09022015). Collection method: clinical testing. Allele origin: germline.

Myriad Genetics, Inc.
Classification: Benign for Peutz-Jeghers syndrome. Last evaluated: 2025-03-27. Review status: criteria provided, single submitter. Criteria: Myriad Autosomal Dominant, Autosomal Recessive and X-Linked Classification Criteria (2023). Collection method: clinical testing. Allele origin: unknown.
Comment: This variant is considered benign. This variant is a silent/synonymous amino acid change and it is not expected to impact splicing.

Sema4
Classification: Likely benign for Hereditary cancer-predisposing syndrome. Last evaluated: 2021-05-02. Review status: criteria provided, single submitter. Criteria: Sema4 Curation Guidelines. Collection method: curation. Allele origin: germline.

Ambry Genetics
Classification: Likely benign for Hereditary cancer-predisposing syndrome. Last evaluated: 2020-12-15. Review status: criteria provided, single submitter. Criteria: Ambry Variant Classification Scheme 2023. Collection method: clinical testing. Allele origin: germline.

Color Diagnostics, LLC DBA Color Health
Classification: Likely benign for Hereditary cancer-predisposing syndrome. Last evaluated: 2018-09-05. Review status: criteria provided, single submitter. Criteria: ACMG Guidelines, 2015. Collection method: clinical testing. Allele origin: germline.